The following is an entry in ClinVar:

ClinVar aggregate classification (germline): Likely pathogenic (1 of 4 stars; one submission).

Conditions:
Ehlers-Danlos syndrome, periodontal type 1. Identifiers: Orphanet 75392, MedGen C4551499, MONDO:0020684, OMIM 130080.

Submission:

Victorian Clinical Genetics Services, Murdoch Childrens Research Institute
Classification: Likely pathogenic for Ehlers-Danlos syndrome, periodontal type 1. Last evaluated: 2025-08-25. Review status: criteria provided, single submitter. Criteria: ACMG Guidelines, 2015. Collection method: clinical testing. Allele origin: germline. Affected: yes.
Comment: This variant is classified as Likely pathogenic. Evidence in support of pathogenic classification: Variant is absent from gnomAD (v2, v3 and v4); Another missense variant(s) comparable to the one identified in this case has moderate previous evidence for pathogenicity. p.(Cys371Trp) has been reported in the literature in multiple families with periodontal Ehlers-Danlos syndrome, including two relatives that presented with leukoencephalopathy (PMID: 27745832, 37323685, 33005042); Missense variant predicted to be damaging by in silico tool(s) or highly conserved with a major amino acid change; Strong phenotype match for this individual. Additional information: Variant is predicted to result in a missense amino acid change from Cys to Arg; This variant is heterozygous; This gene is associated with autosomal dominant disease; This variant has no previous evidence of pathogenicity; No published evidence of segregation with disease has been identified for this variant; No published functional evidence has been identified for this variant; Variant is located in the annotated sushi 1 domain (UniProt); Gain of function is a known mechanism of disease in this gene and is associated with Ehlers-Danlos syndrome, periodontal type, 1 (MIM#130080) (PMID: 34324282); Inheritance information for this variant is not currently available in this individual.

Literature cited by the submitters: PubMed 37323685; PubMed 27745832; PubMed 34324282; PubMed 33005042.

NM_001733.7(C1R):c.1111T>C (p.Cys371Arg)

Gene: C1R (complement C1r; minus strand). Cytogenetic location: 12p13.31.
Variant type: single nucleotide variant.
Coding change: c.1111T>C on transcript NM_001733.7 (MANE Select); coding-DNA position 1111, T replaced by C.
Protein change: p.Cys371Arg; replaces cysteine 371 with arginine.
Molecular consequence: missense variant.
Genome position (GRCh38, 1-based): chr12:7,086,385, A>G on the plus strand (T>C on the coding strand, the complement: C1R is on the minus strand). VCF-style: chr12-7086385-A-G.
Other names: c.1153T>C, p.Cys385Arg (NM_001354346.2); short protein forms C371R, C385R.
Identifiers: ClinVar variation 4531436 (VCV004531436.1).